The following is an entry in ClinVar:

NM_003626.5(PPFIA1):c.2346C>T (p.Ser782=)

Gene: PPFIA1 (PPFI scaffold protein A1; plus strand). Cytogenetic location: 11q13.3.
Variant type: single nucleotide variant.
Coding change: c.2346C>T on transcript NM_003626.5 (MANE Select); coding-DNA position 2346, C replaced by T.
Protein change: p.Ser782=; no amino-acid change (serine 782 retained).
Molecular consequence: synonymous variant. On other transcripts: non-coding transcript variant (1).
Genome position (GRCh38, 1-based): chr11:70,355,669, C>T. VCF-style: chr11-70355669-C-T. GRCh37 (hg19) VCF-style: chr11-70201775-C-T.
Other names: c.2451C>T, p.Ser817= (NM_001378006.1); c.2346C>T, p.Ser782= (NM_177423.3).
Identifiers: ClinVar variation 2642059 (VCV002642059.24), dbSNP rs1168954700, ClinGen allele CA475243490.

ClinVar aggregate classification (germline): Likely benign (1 of 4 stars; one submission).

Submission:

CeGaT Center for Human Genetics Tuebingen
Classification: Likely benign. Last evaluated: 2026-08-01. Review status: criteria provided, single submitter. Criteria: CeGaT Center For Human Genetics Tuebingen Variant Classification Criteria Version 2. Collection method: clinical testing. Allele origin: germline. Affected: yes. Observed: 6 variant alleles.
Comment: PPFIA1: BP4, BP7